The following is an entry in ClinVar:

ClinVar aggregate classification (germline): Pathogenic (1 of 4 stars; one submission).

Conditions:
Ellis-van Creveld syndrome (EVC). Also called: MESOECTODERMAL DYSPLASIA; Chondroectodermal dysplasia; EVC-Related Ellis-van Creveld Syndrome; EVC2-Related Ellis-van Creveld Syndrome. Identifiers: Orphanet 289, MedGen C0013903, MONDO:0009162, OMIM 225500.
Curry-Hall syndrome (WAD). Also called: WEYERS ACRODENTAL DYSOSTOSIS. Identifiers: Orphanet 952, MedGen C0457013, MONDO:0008673, OMIM 193530.

Submission:

Labcorp Genetics (formerly Invitae), Labcorp
Classification: Pathogenic for Curry-Hall syndrome; Ellis-van Creveld syndrome. Last evaluated: 2023-04-10. Review status: criteria provided, single submitter. Criteria: Invitae Variant Classification Sherloc (09022015). Collection method: clinical testing. Allele origin: unknown.
Comment: For these reasons, this variant has been classified as Pathogenic. This variant disrupts a region of the EVC2 protein in which other variant(s) (p.Glu1251*) have been determined to be pathogenic (Invitae). This suggests that this is a clinically significant region of the protein, and that variants that disrupt it are likely to be disease-causing. This variant has not been reported in the literature in individuals affected with EVC2-related conditions. This variant is a gross deletion of the genomic region encompassing exon(s) 20-22 of the EVC2 gene, which includes the termination codon. This deletion extends beyond the assayed region for this gene and therefore may encompass additional genes. While this deletion is not anticipated to lead to nonsense mediated decay, it is expected to alter mRNA translation or result in a truncated protein product.

NC_000004.11:g.(?_5564575)_(5570387_?)del

Gene: EVC2 (EvC ciliary complex subunit 2; minus strand). Cytogenetic location: 4p16.2.
Variant type: Deletion.
Identifiers: ClinVar variation 3246630 (VCV003246630.1).